The following is an entry in ClinVar:

NM_001041.4(SI):c.165A>C (p.Thr55=)

Gene: SI (sucrase-isomaltase; minus strand). Cytogenetic location: 3q26.1.
Variant type: single nucleotide variant.
Coding change: c.165A>C on transcript NM_001041.4 (MANE Select); coding-DNA position 165, A replaced by C.
Protein change: p.Thr55=; no amino-acid change (threonine 55 retained).
Molecular consequence: synonymous variant.
Genome position (GRCh38, 1-based): chr3:165,074,621, T>G on the plus strand (A>C on the coding strand, the complement: SI is on the minus strand). VCF-style: chr3-165074621-T-G. GRCh37 (hg19) VCF-style: chr3-164792409-T-G.
Other names: c.165A>C (NM_001041.3).
Identifiers: ClinVar variation 2107410 (VCV002107410.6), dbSNP rs752787890, ClinGen allele CA2691597.

ClinVar aggregate classification (germline): Likely benign. Review status: criteria provided, single submitter (1 of 4 stars). 2 submissions from 2 submitters: Likely benign (1). 1 of the submissions does not count toward it. Last evaluated 2022-05-19.

Conditions:
SI-related disorder. Also called: SI-related condition.

Allele frequency attached by ClinVar (database versions not stated): TOPMed below 0.00001; ExAC 0.00001; gnomAD 0.00001.
gnomAD v4.1: 1 of 1,610,926 alleles (0.000062%); highest among the groups gnomAD compares: African/African-American, 0.0013%; no homozygotes.

Submissions (2):

Labcorp Genetics (formerly Invitae), Labcorp
Classification: Likely benign. Last evaluated: 2022-05-19. Review status: criteria provided, single submitter. Criteria: Invitae Variant Classification Sherloc (09022015). Collection method: clinical testing. Allele origin: germline.

PreventionGenetics, part of Exact Sciences
Classification: Likely benign for SI-related condition. Last evaluated: 2021-02-09. Review status: no assertion criteria provided. Collection method: clinical testing. Allele origin: germline. Not counted in ClinVar's aggregate classification.
Comment: This variant is classified as likely benign based on ACMG/AMP sequence variant interpretation guidelines (Richards et al. 2015 PMID: 25741868, with internal and published modifications).